The following is an entry in ClinVar:

NM_002427.4(MMP13):c.1037T>C (p.Ile346Thr)

Gene: MMP13 (matrix metallopeptidase 13; minus strand). Cytogenetic location: 11q22.2.
Variant type: single nucleotide variant.
Coding change: c.1037T>C on transcript NM_002427.4 (MANE Select); coding-DNA position 1037, T replaced by C.
Protein change: p.Ile346Thr; replaces isoleucine 346 with threonine.
Molecular consequence: missense variant.
Genome position (GRCh38, 1-based): chr11:102,949,039, A>G on the plus strand (T>C on the coding strand, the complement: MMP13 is on the minus strand). VCF-style: chr11-102949039-A-G. GRCh37 (hg19) VCF-style: chr11-102819768-A-G.
Other names: short protein forms I346T.
Identifiers: ClinVar variation 3704609 (VCV003704609.2).

ClinVar aggregate classification (germline): Uncertain significance (1 of 4 stars; one submission).

Submission:

Labcorp Genetics (formerly Invitae), Labcorp
Classification: Uncertain significance. Last evaluated: 2024-10-30. Review status: criteria provided, single submitter. Criteria: Invitae Variant Classification Sherloc (09022015). Collection method: clinical testing. Allele origin: germline.
Comment: This sequence change replaces isoleucine, which is neutral and non-polar, with threonine, which is neutral and polar, at codon 346 of the MMP13 protein (p.Ile346Thr). This variant is not present in population databases (gnomAD no frequency). This variant has not been reported in the literature in individuals affected with MMP13-related conditions. Invitae Evidence Modeling of protein sequence and biophysical properties (such as structural, functional, and spatial information, amino acid conservation, physicochemical variation, residue mobility, and thermodynamic stability) indicates that this missense variant is not expected to disrupt MMP13 protein function with a negative predictive value of 80%. In summary, the available evidence is currently insufficient to determine the role of this variant in disease. Therefore, it has been classified as a Variant of Uncertain Significance.